The following is an entry in ClinVar:

ClinVar aggregate classification (germline): Uncertain significance (1 of 4 stars; one submission).

Conditions:
Adams-Oliver syndrome 5 (AOS5). Identifiers: Orphanet 974, MedGen C4014970, MONDO:0014459, OMIM 616028.

Submission:

Labcorp Genetics (formerly Invitae), Labcorp
Classification: Uncertain significance for Adams-Oliver syndrome 5. Last evaluated: 2018-09-13. Review status: criteria provided, single submitter. Criteria: Invitae Variant Classification Sherloc (09022015). Collection method: clinical testing. Allele origin: germline.
Comment: This sequence change replaces alanine with threonine at codon 1135 of the NOTCH1 protein (p.Ala1135Thr). The alanine residue is highly conserved and there is a small physicochemical difference between alanine and threonine. In summary, this variant is a novel missense change with uncertain impact on protein function. It has been classified as a Variant of Uncertain Significance. Algorithms developed to predict the effect of missense changes on protein structure and function do not agree on the potential impact of this missense change (SIFT: "Deleterious"; PolyPhen-2: "Possibly Damaging"; Align-GVGD: "Class C0"). This variant is not present in population databases (ExAC no frequency) and has not been reported in the literature in individuals with a NOTCH1-related disease.

NM_017617.5(NOTCH1):c.3403G>A (p.Ala1135Thr)

Gene: NOTCH1 (notch receptor 1; minus strand). Cytogenetic location: 9q34.3.
Variant type: single nucleotide variant.
Coding change: c.3403G>A on transcript NM_017617.5 (MANE Select); coding-DNA position 3403, G replaced by A.
Protein change: p.Ala1135Thr; replaces alanine 1135 with threonine.
Molecular consequence: missense variant.
Genome position (GRCh38, 1-based): chr9:136,508,062, C>T on the plus strand (G>A on the coding strand, the complement: NOTCH1 is on the minus strand). VCF-style: chr9-136508062-C-T. GRCh37 (hg19) VCF-style: chr9-139402514-C-T.
Other names: c.3403G>A, p.Ala1135Thr (LRG_1122t1); short protein forms A1135T.
Identifiers: ClinVar variation 477914 (VCV000477914.9), dbSNP rs1554728380, ClinGen allele CA375551306.